The following is an entry in ClinVar:

NM_001321120.2(TBX4):c.*7C>T

Gene: TBX4 (T-box transcription factor 4; plus strand). Cytogenetic location: 17q23.2.
Variant type: single nucleotide variant.
Coding change: c.*7C>T on transcript NM_001321120.2 (MANE Select); 7 bases downstream of the stop codon, C replaced by T.
Molecular consequence: 3 prime UTR variant.
Genome position (GRCh38, 1-based): chr17:61,483,523, C>T. VCF-style: chr17-61483523-C-T. GRCh37 (hg19) VCF-style: chr17-59560884-C-T.
Other names: c.*7C>T (LRG_1206t1, NM_018488.3).
Identifiers: ClinVar variation 324266 (VCV000324266.9), dbSNP rs149961771, ClinGen allele CA8690138.

ClinVar aggregate classification (germline): Benign/Likely benign. Review status: criteria provided, multiple submitters, no conflicts (2 of 4 stars). 4 submissions from 4 submitters: Benign (2); Likely benign (1). 1 of the submissions does not count toward it. Last evaluated 2024-11-18.

Conditions:
Coxopodopatellar syndrome. Also called: ISCHIOCOXOPODOPATELLAR SYNDROME WITH OR WITHOUT PULMONARY ARTERIAL HYPERTENSION; Congenital coxa vara, patella aplasia and tarsal synostosis; ISCHIOPATELLAR DYSPLASIA; SCOTT-TAOR SYNDROME; ISCHIOCOXOPODOPATELLAR SYNDROME; PATELLA APLASIA, COXA VARA, AND TARSAL SYNOSTOSIS. Identifiers: Orphanet 1509, MedGen C1840061, MONDO:0007841, OMIM 147891.
TBX4-related disorder. Also called: TBX4-related condition; TBX4-related disorders.

Allele frequency attached by ClinVar (database versions not stated): ESP Exome Variant Server 0.00023; TOPMed 0.00056; gnomAD 0.00067; 1000 Genomes Project 30x 0.00109; 1000 Genomes Project 0.00140.

Submissions (4):

Blueprint Genetics
Classification: Likely benign. Last evaluated: 2024-11-18. Review status: criteria provided, single submitter. Criteria: ACMG Guidelines, 2015. Collection method: clinical testing. Allele origin: germline.

Illumina Laboratory Services, Illumina
Classification: Benign for Coxopodopatellar syndrome. Last evaluated: 2018-01-12. Review status: criteria provided, single submitter. Criteria: ICSL Variant Classification Criteria 13 December 2019. Collection method: clinical testing. Allele origin: germline.
Comment: This variant was observed in the ICSL laboratory as part of a predisposition screen in an ostensibly healthy population. It had not been previously curated by ICSL or reported in the Human Gene Mutation Database (HGMD: prior to June 1st, 2018), and was therefore a candidate for classification through an automated scoring system. Utilizing variant allele frequency, disease prevalence and penetrance estimates, and inheritance mode, an automated score was calculated to assess if this variant is too frequent to cause the disease. Based on the score and internal cut-off values, a variant classified as benign is not then subjected to further curation. The score for this variant resulted in a classification of benign for this disease.

Breakthrough Genomics
Classification: Benign. Review status: criteria provided, single submitter. Criteria: ACMG Guidelines, 2015. Collection method: not provided. Allele origin: germline. Inheritance: Autosomal recessive inheritance. Affected: yes.

PreventionGenetics, part of Exact Sciences
Classification: Benign for TBX4-related condition. Last evaluated: 2019-05-15. Review status: no assertion criteria provided. Collection method: clinical testing. Allele origin: germline. Not counted in ClinVar's aggregate classification.
Comment: This variant is classified as benign based on ACMG/AMP sequence variant interpretation guidelines (Richards et al. 2015 PMID: 25741868, with internal and published modifications).